The following is an entry in ClinVar:

ClinVar aggregate classification (germline): Conflicting classifications of pathogenicity. Review status: criteria provided, conflicting classifications (1 of 4 stars). 2 submissions from 2 submitters: Uncertain significance (1); Likely benign (1). Last evaluated 2024-02-24.

Conditions:
Adams-Oliver syndrome 5 (AOS5). Identifiers: Orphanet 974, MedGen C4014970, MONDO:0014459, OMIM 616028.
Familial thoracic aortic aneurysm and aortic dissection (TAAD). Also called: Thoracic aortic aneurysms and dissections. Identifiers: Orphanet 91387, MedGen C4707243, MONDO:0019625.

Allele frequency attached by ClinVar (database versions not stated): gnomAD exomes 0.00001; TOPMed 0.00001; ExAC 0.00002; gnomAD 0.00002; ESP Exome Variant Server 0.00008.
gnomAD v4.1: 19 of 1,613,220 alleles (0.0012%); highest among the groups gnomAD compares: African/African-American, 0.0027%; no homozygotes.

Submissions (2):

Labcorp Genetics (formerly Invitae), Labcorp
Classification: Likely benign for Adams-Oliver syndrome 5. Last evaluated: 2024-02-24. Review status: criteria provided, single submitter. Criteria: Invitae Variant Classification Sherloc (09022015). Collection method: clinical testing. Allele origin: germline.

Ambry Genetics
Classification: Uncertain significance for Familial thoracic aortic aneurysm and aortic dissection. Last evaluated: 2024-01-08. Review status: criteria provided, single submitter. Criteria: Ambry Variant Classification Scheme 2023. Collection method: clinical testing. Allele origin: germline.
Comment: The p.V2007M variant (also known as c.6019G>A), located in coding exon 32 of the NOTCH1 gene, results from a G to A substitution at nucleotide position 6019. The valine at codon 2007 is replaced by methionine, an amino acid with highly similar properties. This amino acid position is highly conserved in available vertebrate species. In addition, this alteration is predicted to be tolerated by in silico analysis. Since supporting evidence is limited at this time, the clinical significance of this alteration remains unclear.

NM_017617.5(NOTCH1):c.6019G>A (p.Val2007Met)

Genes: NOTCH1 (notch receptor 1; minus strand), LOC126860794 (BRD4-independent group 4 enhancer GRCh37_chr9:139392592-139393791; plus strand). Cytogenetic location: 9q34.3.
Variant type: single nucleotide variant.
Coding change: c.6019G>A on transcript NM_017617.5 (MANE Select); coding-DNA position 6019, G replaced by A.
Protein change: p.Val2007Met; replaces valine 2007 with methionine.
Molecular consequence: missense variant.
Genome position (GRCh38, 1-based): chr9:136,499,175, C>T on the plus strand (G>A on the coding strand, the complement: NOTCH1 is on the minus strand). VCF-style: chr9-136499175-C-T. GRCh37 (hg19) VCF-style: chr9-139393627-C-T.
Other names: c.6019G>A (NM_017617.3); short protein forms V2007M.
Identifiers: ClinVar variation 2742499 (VCV002742499.4), dbSNP rs374168429, ClinGen allele CA5340061.